The following is an entry in ClinVar:

ClinVar aggregate classification (germline): Uncertain significance (1 of 4 stars; one submission).

Conditions:
MC3R-related disorder. Also called: MC3R-related condition.

gnomAD v4.1: 24 of 1,614,096 alleles (0.0015%); highest among the groups gnomAD compares: Admixed American, 0.038%; no homozygotes.

Submission:

PreventionGenetics, part of Exact Sciences
Classification: Uncertain significance for MC3R-related condition. Last evaluated: 2026-05-13. Review status: criteria provided, single submitter. Criteria: ACMG Guidelines, 2015. Collection method: clinical testing. Allele origin: germline.
Comment: The MC3R c.219G>A variant is predicted to result in the amino acid substitution p.Met73Ile. To our knowledge, this variant has not been reported in the literature. This variant is reported in 0.046% of alleles in individuals of Latino descent in gnomAD. Although we suspect that this variant may be benign, at this time, the clinical significance of this variant is uncertain due to the absence of conclusive functional and genetic evidence.

NM_019888.3(MC3R):c.219G>A (p.Met73Ile)

Gene: MC3R (melanocortin 3 receptor; plus strand). Cytogenetic location: 20q13.2.
Variant type: single nucleotide variant.
Coding change: c.219G>A on transcript NM_019888.3 (MANE Select); coding-DNA position 219, G replaced by A.
Protein change: p.Met73Ile; replaces methionine 73 with isoleucine.
Molecular consequence: missense variant.
Genome position (GRCh38, 1-based): chr20:56,249,062, G>A. VCF-style: chr20-56249062-G-A. GRCh37 (hg19) VCF-style: chr20-54824118-G-A.
Other names: short protein forms M73I.
Identifiers: ClinVar variation 3356531 (VCV003356531.2).
Genomic context (GRCh38, chr20:56,249,062, plus strand): 5'-GCTGGAAAACATCCTGGTTATCCTGGCCGTGGTCAGGAACGGCAACCTGCACTCCCCGAT[G>A]TACTTCTTTCTCTGCAGCCTGGCGGTGGCCGACATGCTGGTAAGTGTGTCCAATGCCCTG-3'
Protein context (NP_063941.3, residues 63-83): VVRNGNLHSP[Met73Ile]YFFLCSLAVA